The following is an entry in ClinVar:

ClinVar aggregate classification (germline): Uncertain significance (1 of 4 stars; one submission).

Submission:

Labcorp Genetics (formerly Invitae), Labcorp
Classification: Uncertain significance. Last evaluated: 2023-01-07. Review status: criteria provided, single submitter. Criteria: Invitae Variant Classification Sherloc (09022015). Collection method: clinical testing. Allele origin: germline.
Comment: In summary, the available evidence is currently insufficient to determine the role of this variant in disease. Therefore, it has been classified as a Variant of Uncertain Significance. Advanced modeling of protein sequence and biophysical properties (such as structural, functional, and spatial information, amino acid conservation, physicochemical variation, residue mobility, and thermodynamic stability) performed at Invitae indicates that this missense variant is not expected to disrupt LMX1B protein function. This variant has not been reported in the literature in individuals affected with LMX1B-related conditions. This variant is not present in population databases (gnomAD no frequency). This sequence change replaces alanine, which is neutral and non-polar, with serine, which is neutral and polar, at codon 85 of the LMX1B protein (p.Ala85Ser).

NM_001174147.2(LMX1B):c.253G>T (p.Ala85Ser)

Gene: LMX1B (LIM homeobox transcription factor 1 beta; plus strand). Cytogenetic location: 9q33.3.
Variant type: single nucleotide variant.
Coding change: c.253G>T on transcript NM_001174147.2 (MANE Select); coding-DNA position 253, G replaced by T.
Protein change: p.Ala85Ser; replaces alanine 85 with serine.
Molecular consequence: missense variant.
Genome position (GRCh38, 1-based): chr9:126,615,496, G>T. VCF-style: chr9-126615496-G-T. GRCh37 (hg19) VCF-style: chr9-129377775-G-T.
Other names: c.253G>T, p.Ala85Ser (NM_001174146.2, NM_002316.4); short protein forms A85S.
Identifiers: ClinVar variation 2826708 (VCV002826708.3), dbSNP rs1289892661, ClinGen allele CA374910092.